The following is an entry in ClinVar:

ClinVar aggregate classification (germline): Conflicting classifications of pathogenicity. Review status: criteria provided, conflicting classifications (1 of 4 stars). 2 submissions from 2 submitters: Uncertain significance (1); Likely benign (1). Last evaluated 2025-07-07.

Conditions:
Arthrogryposis, distal, with impaired proprioception and touch (DAIPT). Identifiers: MedGen C4310692, MONDO:0014941, OMIM 617146.

Allele frequency attached by ClinVar (database versions not stated): gnomAD exomes 0.00014 and 0.00054; ExAC 0.00015; TOPMed 0.00020; gnomAD 0.00026 and 0.00014; 1000 Genomes Project 0.00140; 1000 Genomes Project 30x 0.00141.
gnomAD v4.1: 244 of 1,537,294 alleles (0.016%); highest among the groups gnomAD compares: East Asian, 0.43%; 1 homozygote.

Submissions (2):

Labcorp Genetics (formerly Invitae), Labcorp
Classification: Likely benign. Last evaluated: 2025-07-07. Review status: criteria provided, single submitter. Criteria: Invitae Variant Classification Sherloc (09022015). Collection method: clinical testing. Allele origin: germline.

Victorian Clinical Genetics Services, Murdoch Childrens Research Institute
Classification: Uncertain significance for Arthrogryposis, distal, with impaired proprioception and touch. Last evaluated: 2020-05-26. Review status: criteria provided, single submitter. Criteria: ACMG Guidelines, 2015. Collection method: clinical testing. Allele origin: germline. Affected: yes.
Comment: Based on the classification scheme VCGS_Germline_v1.1.1, this variant is classified as 3C-VUS. Following criteria are met: 0103 - Both loss- and gain-of-function are known mechanisms of disease for this gene. Loss of function has been associated with NMD variants while gain of function has been associated with missense variants clustered in the C-terminal (PMID: 30988732). (N) 0108 - This gene is known to be associated with both recessive and dominant disease. Dominant variants are generally missense and are clustered at the C-terminal (PMID: 30988732). (N) 0200 - Variant is predicted to result in a missense amino acid change from glycine to glutamic acid (exon 6). (N) 0251 - Variant is heterozygous. (N) 0304 - Variant is present in gnomAD <0.01 for a recessive condition (86 heterozygotes, 0 homozygotes). (P) 0502 - Missense variant with conflicting in silico predictions and/or uninformative conservation. (N) 0604 - Variant is not located in an established domain, motif, hotspot or informative constraint region. (N) 0705 - No comparable variants have previous evidence for pathogenicity. (N) 0806 - Moderate previous evidence of neutrality in unrelated individuals. (1x likely benign; ClinVar) (B) 0905 - No segregation evidence has been identified for this variant. (N) 1007 - No published functional evidence has been identified for this variant. (N) 1102 - Strong phenotype match. (P) 1208 - Inheritance information for this variant is not currently available. (N) Legend: (P) - Pathogenic, (N) - Neutral, (B) - Benign

Literature cited by the submitters: PubMed 30988732 (cited by Victorian Clinical Genetics Services, Murdoch Childrens Research Institute).

NM_001378183.1(PIEZO2):c.668G>A (p.Gly223Glu)

Gene: PIEZO2 (piezo type mechanosensitive ion channel component 2; minus strand). Cytogenetic location: 18p11.22.
Variant type: single nucleotide variant.
Coding change: c.668G>A on transcript NM_001378183.1 (MANE Select); coding-DNA position 668, G replaced by A.
Protein change: p.Gly223Glu; replaces glycine 223 with glutamic acid.
Molecular consequence: missense variant.
Genome position (GRCh38, 1-based): chr18:10,857,036, C>T on the plus strand (G>A on the coding strand, the complement: PIEZO2 is on the minus strand). VCF-style: chr18-10857036-C-T. GRCh37 (hg19) VCF-style: chr18-10857034-C-T.
Other names: c.668G>A, p.Gly223Glu (NM_022068.4); short protein forms G223E.
Identifiers: ClinVar variation 793456 (VCV000793456.9), dbSNP rs186999439, ClinGen allele CA8892824.